The following is an entry in ClinVar:

NM_001029883.3(PCARE):c.2666dup (p.Asp890fs)

Gene: PCARE (photoreceptor cilium actin regulator; minus strand). Cytogenetic location: 2p23.2.
Variant type: Duplication.
Coding change: c.2666dup on transcript NM_001029883.3 (MANE Select); coding-DNA position 2666, one base duplicated (T; older notation c.2666dupT).
Protein change: p.Asp890fs; shifts the reading frame from aspartic acid 890.
Molecular consequence: frameshift variant.
Genome position (GRCh38, 1-based): chr2:29,071,596, A duplicated on the plus strand (T on the coding strand, the reverse complement: PCARE is on the minus strand). VCF-style (leftmost placement, unchanged base first): chr2-29071595-C-CA. GRCh37 (hg19) VCF-style: chr2-29294461-C-CA.
Other names: short protein forms D890fs.
Identifiers: ClinVar variation 1453727 (VCV001453727.6), dbSNP rs2148415455, ClinGen allele CA2573134455.

ClinVar aggregate classification (germline): Pathogenic (1 of 4 stars; one submission).

Submission:

Labcorp Genetics (formerly Invitae), Labcorp
Classification: Pathogenic. Last evaluated: 2022-10-13. Review status: criteria provided, single submitter. Criteria: Invitae Variant Classification Sherloc (09022015). Collection method: clinical testing. Allele origin: germline.
Comment: For these reasons, this variant has been classified as Pathogenic. ClinVar contains an entry for this variant (Variation ID: 1453727). This variant has not been reported in the literature in individuals affected with PCARE-related conditions. This variant is not present in population databases (gnomAD no frequency). This sequence change creates a premature translational stop signal (p.Asp890Glyfs*217) in the PCARE gene. It is expected to result in an absent or disrupted protein product. Loss-of-function variants in PCARE are known to be pathogenic (PMID: 20398886, 24339724, 26496393).

Literature cited by the submitters: PubMed 20398886; PubMed 24339724; PubMed 26496393.